The following is an entry in ClinVar:

ClinVar aggregate classification (germline): Uncertain significance. Review status: criteria provided, multiple submitters, no conflicts (2 of 4 stars). 2 submissions from 2 submitters: Uncertain significance (2). Last evaluated 2023-11-30.

Conditions:
Congenital muscular hypertrophy-cerebral syndrome (CDLS2). Also called: SMC1A-Related Cornelia de Lange Syndrome; Cornelia de Lange syndrome 2. Identifiers: Orphanet 199, MedGen C1802395, MONDO:0010370, OMIM 300590.

Allele frequency attached by ClinVar (database versions not stated): gnomAD 0.00001; TOPMed 0.00002.
gnomAD v4.1: 1 of 1,208,408 alleles (0.000083%); highest among the groups gnomAD compares: Admixed American, 0.0022%; no homozygotes.

Submissions (2):

GeneDx
Classification: Uncertain significance. Last evaluated: 2023-11-30. Review status: criteria provided, single submitter. Criteria: GeneDx Variant Classification Process June 2021. Collection method: clinical testing. Allele origin: germline. Affected: yes.
Comment: Not observed in large population cohorts (gnomAD); Has not been previously published as pathogenic or benign to our knowledge; In silico analysis supports a deleterious effect on splicing

Labcorp Genetics (formerly Invitae), Labcorp
Classification: Uncertain significance for Congenital muscular hypertrophy-cerebral syndrome. Last evaluated: 2020-02-01. Review status: criteria provided, single submitter. Criteria: Invitae Variant Classification Sherloc (09022015). Collection method: clinical testing. Allele origin: germline.
Comment: This sequence change falls in intron 7 of the SMC1A gene. It does not directly change the encoded amino acid sequence of the SMC1A protein, but it affects a nucleotide within the consensus splice site of the intron. This variant is not present in population databases (ExAC no frequency). This variant has not been reported in the literature in individuals with SMC1A-related disease. Nucleotide substitutions within the consensus splice site are a relatively common cause of aberrant splicing (PMID: 17576681, 9536098). Algorithms developed to predict the effect of sequence changes on RNA splicing suggest that this variant may disrupt the consensus splice site, but this prediction has not been confirmed by published transcriptional studies. In summary, the available evidence is currently insufficient to determine the role of this variant in disease. Therefore, it has been classified as a Variant of Uncertain Significance.

Literature cited by the submitters: PubMed 17576681 (cited by Labcorp Genetics (formerly Invitae), Labcorp); PubMed 9536098 (cited by Labcorp Genetics (formerly Invitae), Labcorp).

NM_006306.4(SMC1A):c.1254+5G>A

Gene: SMC1A (structural maintenance of chromosomes 1A; minus strand). Cytogenetic location: Xp11.22.
Variant type: single nucleotide variant.
Coding change: c.1254+5G>A on transcript NM_006306.4 (MANE Select); 5 bases into the intron after coding-DNA position 1254, G replaced by A.
Molecular consequence: intron variant.
Genome position (GRCh38, 1-based): chrX:53,411,756, C>T on the plus strand (G>A on the coding strand, the complement: SMC1A is on the minus strand). VCF-style: chrX-53411756-C-T. GRCh37 (hg19) VCF-style: chrX-53438706-C-T.
Other names: c.1188+5G>A (NM_001281463.1).
Identifiers: ClinVar variation 566868 (VCV000566868.5), dbSNP rs1569358589, ClinGen allele CA891843922.